The following is an entry in ClinVar:

ClinVar aggregate classification (germline): Uncertain significance (1 of 4 stars; one submission).

Conditions:
Progressive familial heart block type IB (PFHB1B). Identifiers: Orphanet 871, MedGen C1970298, MONDO:0011474, OMIM 604559.

Submission:

Labcorp Genetics (formerly Invitae), Labcorp
Classification: Uncertain significance for Progressive familial heart block type IB. Last evaluated: 2024-10-20. Review status: criteria provided, single submitter. Criteria: Invitae Variant Classification Sherloc (09022015). Collection method: clinical testing. Allele origin: germline.
Comment: This sequence change replaces serine, which is neutral and polar, with arginine, which is basic and polar, at codon 1098 of the TRPM4 protein (p.Ser1098Arg). This variant is not present in population databases (gnomAD no frequency). This variant has not been reported in the literature in individuals affected with TRPM4-related conditions. An algorithm developed to predict the effect of missense changes on protein structure and function (PolyPhen-2) suggests that this variant is likely to be tolerated. In summary, the available evidence is currently insufficient to determine the role of this variant in disease. Therefore, it has been classified as a Variant of Uncertain Significance.

NM_017636.4(TRPM4):c.3294C>A (p.Ser1098Arg)

Gene: TRPM4 (transient receptor potential cation channel subfamily M member 4; plus strand). Cytogenetic location: 19q13.33.
Variant type: single nucleotide variant.
Coding change: c.3294C>A on transcript NM_017636.4 (MANE Select); coding-DNA position 3294, C replaced by A.
Protein change: p.Ser1098Arg; replaces serine 1098 with arginine.
Molecular consequence: missense variant.
Genome position (GRCh38, 1-based): chr19:49,210,371, C>A. VCF-style: chr19-49210371-C-A. GRCh37 (hg19) VCF-style: chr19-49713628-C-A.
Other names: c.2859C>A, p.Ser953Arg (NM_001195227.2); c.2949C>A, p.Ser983Arg (NM_001321281.2); c.1686C>A, p.Ser562Arg (NM_001321282.2); c.2772C>A, p.Ser924Arg (NM_001321283.2); c.2232C>A, p.Ser744Arg (NM_001321285.2); short protein forms S924R, S953R, S744R, S1098R, S983R, S562R.
Identifiers: ClinVar variation 3723323 (VCV003723323.2).